The following is an entry in ClinVar:

ClinVar aggregate classification (germline): Uncertain significance. Review status: criteria provided, multiple submitters, no conflicts (2 of 4 stars). 8 submissions from 8 submitters: Uncertain significance (8). Last evaluated 2025-01-07.

Conditions:
Familial thoracic aortic aneurysm and aortic dissection (TAAD). Also called: Thoracic aortic aneurysms and dissections. Identifiers: Orphanet 91387, MedGen C4707243, MONDO:0019625.
Malignant tumor of esophagus. Also called: Esophageal cancer, somatic; Esophageal cancer. Identifiers: Orphanet 99977, MedGen C0546837, MONDO:0007576, OMIM 133239.
Loeys-Dietz syndrome 2 (LDS2). Also called: TGFBR2-Related Loeys-Dietz Syndrome; Marfan Syndrome type 2; Marfan like connective tissue disorder; MFS 2; Marfan syndrome, type 2 (formerly); AORTIC ANEURYSM, FAMILIAL THORACIC 3. Identifiers: Orphanet 284973, Orphanet 558, MedGen C2674574, MONDO:0012427, OMIM 610168.

Allele frequency attached by ClinVar (database versions not stated): gnomAD 0.00001; TOPMed 0.00002.
gnomAD v4.1: 22 of 1,614,128 alleles (0.0014%); highest among the groups gnomAD compares: Middle Eastern, 0.016%; no homozygotes.

Submissions (8):

Labcorp Genetics (formerly Invitae), Labcorp
Classification: Uncertain significance for Familial thoracic aortic aneurysm and aortic dissection. Last evaluated: 2025-01-07. Review status: criteria provided, single submitter. Criteria: Invitae Variant Classification Sherloc (09022015). Collection method: clinical testing. Allele origin: germline.
Comment: This sequence change replaces valine, which is neutral and non-polar, with methionine, which is neutral and non-polar, at codon 491 of the TGFBR2 protein (p.Val491Met). This variant is not present in population databases (gnomAD no frequency). This missense change has been observed in individual(s) with clinical features of TGFRB2-related conditions (internal data). ClinVar contains an entry for this variant (Variation ID: 496206). Invitae Evidence Modeling of protein sequence and biophysical properties (such as structural, functional, and spatial information, amino acid conservation, physicochemical variation, residue mobility, and thermodynamic stability) indicates that this missense variant is expected to disrupt TGFBR2 protein function with a positive predictive value of 95%. In summary, the available evidence is currently insufficient to determine the role of this variant in disease. Therefore, it has been classified as a Variant of Uncertain Significance.

All of Us Research Program, National Institutes of Health
Classification: Uncertain significance for Loeys-Dietz syndrome 2. Last evaluated: 2024-09-23. Review status: criteria provided, single submitter. Criteria: ACMG Guidelines, 2015. Collection method: clinical testing. Allele origin: germline. Inheritance: Autosomal dominant inheritance. Observed: 9 variant alleles, 8 heterozygotes, 1 homozygote.
Comment: This missense variant replaces valine with methionine at codon 491 of the TGFBR2 protein. Computational prediction is inconclusive regarding the impact of this variant on protein structure and function (internally defined REVEL score threshold 0.5 < inconclusive < 0.7, PMID: 27666373). To our knowledge, functional studies have not been reported for this variant. This variant has not been reported in individuals affected with cardiovascular disorders in the literature. This variant has not been identified in the general population by the Genome Aggregation Database (gnomAD). The available evidence is insufficient to determine the role of this variant in disease conclusively. Therefore, this variant is classified as a Variant of Uncertain Significance.

This study involves interpretation of variants in research participants for the purpose of population health screening. Participant phenotype was not available at the time of variant classification. Additional details can be found in publication PMID: 35346344, PMCID: PMC8962531

Color Diagnostics, LLC DBA Color Health
Classification: Uncertain significance for Familial thoracic aortic aneurysm and aortic dissection. Last evaluated: 2024-05-13. Review status: criteria provided, single submitter. Criteria: ACMG Guidelines, 2015. Collection method: clinical testing. Allele origin: germline.
Comment: This missense variant replaces valine with methionine at codon 491 of the TGFBR2 protein. Computational prediction tools indicate that this variant's impact on protein structure and function is inconclusive. To our knowledge, functional studies have not been reported for this variant. This variant has not been reported in individuals affected with TGFBR2-related disorders in the literature. This variant has not been identified in the general population by the Genome Aggregation Database (gnomAD). The available evidence is insufficient to determine the role of this variant in disease conclusively. Therefore, this variant is classified as a Variant of Uncertain Significance.

Genomic Medicine Center of Excellence, King Faisal Specialist Hospital and Research Centre
Classification: Uncertain significance for Loeys-Dietz syndrome 2. Last evaluated: 2024-03-26. Review status: criteria provided, single submitter. Criteria: ACMG Guidelines, 2015. Collection method: clinical testing. Allele origin: germline.

Ambry Genetics
Classification: Uncertain significance for Familial thoracic aortic aneurysm and aortic dissection. Last evaluated: 2023-06-01. Review status: criteria provided, single submitter. Criteria: Ambry Variant Classification Scheme 2023. Collection method: clinical testing. Allele origin: germline.
Comment: The p.V491M variant (also known as c.1471G>A), located in coding exon 6 of the TGFBR2 gene, results from a G to A substitution at nucleotide position 1471. The valine at codon 491 is replaced by methionine, an amino acid with highly similar properties. This amino acid position is conserved. In addition, the in silico prediction for this alteration is inconclusive. Since supporting evidence is limited at this time, the clinical significance of this alteration remains unclear.

GeneDx
Classification: Uncertain significance. Last evaluated: 2021-10-25. Review status: criteria provided, single submitter. Criteria: GeneDx Variant Classification Process June 2021. Collection method: clinical testing. Allele origin: germline. Affected: yes.
Comment: Has not been previously published as pathogenic or benign to our knowledge; Not observed at significant frequency in large population cohorts (Lek et al., 2016); In silico analysis supports that this missense variant has a deleterious effect on protein structure/function; Reported in ClinVar (ClinVar Variant ID #496206; Landrum et al., 2016)

Women's Health and Genetics/Laboratory Corporation of America, LabCorp
Classification: Uncertain significance. Last evaluated: 2017-06-19. Review status: criteria provided, single submitter. Criteria: LabCorp Variant Classification Summary - May 2015. Collection method: clinical testing. Allele origin: germline.
Comment: Variant summary: The TGFBR2 c.1471G>A (p.Val491Met) variant involves the alteration of a conserved nucleotide, resulting in a missense substitution in the serine-threonine/tyrosine-protein kinase, catalytic domain (InterPro). 3/4 in silico tools predict a damaging outcome for this variant. However, these predictions have yet to be functionally assessed. This variant is absent from the large control database ExAC (0/121218 control chromosomes). To our knowledge, the variant of interest has not been reported in affected individuals via publications and/or reputable databases/clinical diagnostic laboratories, nor has it been evaluated for functional impact by in vivo/vitro studies. Because of the absence of clinical information and the lack of functional studies, the variant is classified as a "Variant of Uncertain Significance (VUS)," until additional information becomes available.

Centre for Mendelian Genomics, University Medical Centre Ljubljana
Classification: Uncertain significance for Malignant tumor of esophagus. Last evaluated: 2016-01-01. Review status: criteria provided, single submitter. Criteria: ACMG Guidelines, 2015. Collection method: clinical testing. Allele origin: unknown. Affected: yes.
Comment: This variant was classified as: Uncertain significance. The following ACMG criteria were applied in classifying this variant: PM2,PP2,PP3.

NM_003242.6(TGFBR2):c.1471G>A (p.Val491Met)

Gene: TGFBR2 (transforming growth factor beta receptor 2; plus strand). Cytogenetic location: 3p24.1.
Variant type: single nucleotide variant.
Coding change: c.1471G>A on transcript NM_003242.6 (MANE Select); coding-DNA position 1471, G replaced by A.
Protein change: p.Val491Met; replaces valine 491 with methionine.
Molecular consequence: missense variant.
Genome position (GRCh38, 1-based): chr3:30,688,458, G>A. VCF-style: chr3-30688458-G-A. GRCh37 (hg19) VCF-style: chr3-30729950-G-A.
Other names: c.1546G>A, p.Val516Met (NM_001024847.3); c.1654G>A, p.Val552Met (NM_001407126.1); c.1579G>A, p.Val527Met (NM_001407127.1); c.1498G>A, p.Val500Met (NM_001407128.1); c.1474G>A, p.Val492Met (NM_001407129.1); c.1468G>A, p.Val490Met (NM_001407130.1); c.1366G>A, p.Val456Met (NM_001407132.1, NM_001407133.1, NM_001407134.1 and 2 more transcripts); c.1186G>A, p.Val396Met (NM_001407137.1); and 2 more; short protein forms V491M, V516M, V396M, V490M, V552M, V371M, V492M, V500M.
Identifiers: ClinVar variation 496206 (VCV000496206.18), dbSNP rs754176932, ClinGen allele CA351809351.